The following is an entry in ClinVar:

NM_003002.4(SDHD):c.295C>G (p.Leu99Val)

Gene: SDHD (succinate dehydrogenase complex subunit D; plus strand). Cytogenetic location: 11q23.1.
Variant type: single nucleotide variant.
Coding change: c.295C>G on transcript NM_003002.4 (MANE Select); coding-DNA position 295, C replaced by G.
Protein change: p.Leu99Val; replaces leucine 99 with valine.
Molecular consequence: missense variant. On other transcripts: non-coding transcript variant (1), intron variant (1).
Genome position (GRCh38, 1-based): chr11:112,088,992, C>G. VCF-style: chr11-112088992-C-G. GRCh37 (hg19) VCF-style: chr11-111959716-C-G.
Other names: c.178C>G, p.Leu60Val (NM_001276504.2); c.295C>G, p.Leu99Val (NM_001276506.2); c.169+1019C>G (NM_001276503.2); short protein forms L60V, L99V.
Identifiers: ClinVar variation 934819 (VCV000934819.11), dbSNP rs1865692425, ClinGen allele CA382617397.
Genomic context (GRCh38, chr11:112,088,992, plus strand): 5'-CTGCTTCCGGCTGCTTATTTGAATCCTTGCTCTGCGATGGACTATTCCCTGGCTGCAGCC[C>G]TCACTCTTCATGGTCACTGGCAAGTATAGCAATTCCAAATATAGTTGTCTGCTCAGTTTG-3'
Protein context (NP_002993.1, residues 89-109): SAMDYSLAAA[Leu99Val]TLHGHWGLGQ

ClinVar aggregate classification (germline): Uncertain significance (1 of 4 stars; one submission).

Conditions:
Pheochromocytoma. Also called: MAX-Related Hereditary Paraganglioma-Pheochromocytoma Syndrome. Identifiers: Orphanet 29072, MedGen C0031511, MONDO:0008233, OMIM 171300, HP:0002666.
Paragangliomas with sensorineural hearing loss. Identifiers: MedGen C1868633.
Cowden syndrome 3 (CWS3). Identifiers: Orphanet 201, MedGen CN166604, MONDO:0014045.
Carney-Stratakis syndrome. Also called: PARAGANGLIOMA AND GASTROINTESTINAL STROMAL TUMOR. Identifiers: Orphanet 97286, MedGen C1847319, MONDO:0011740, OMIM 606864.

Submission:

Labcorp Genetics (formerly Invitae), Labcorp
Classification: Uncertain significance for Carney-Stratakis syndrome; Paragangliomas with sensorineural hearing loss; Pheochromocytoma; Cowden syndrome 3. Last evaluated: 2019-06-05. Review status: criteria provided, single submitter. Criteria: Invitae Variant Classification Sherloc (09022015). Collection method: clinical testing. Allele origin: germline.
Comment: In summary, the available evidence is currently insufficient to determine the role of this variant in disease. Therefore, it has been classified as a Variant of Uncertain Significance. Algorithms developed to predict the effect of missense changes on protein structure and function (SIFT, PolyPhen-2, Align-GVGD) all suggest that this variant is likely to be tolerated, but these predictions have not been confirmed by published functional studies and their clinical significance is uncertain. This variant has not been reported in the literature in individuals with SDHD-related conditions. This variant is not present in population databases (ExAC no frequency). This sequence change replaces leucine with valine at codon 99 of the SDHD protein (p.Leu99Val). The leucine residue is highly conserved and there is a small physicochemical difference between leucine and valine.